The following is an entry in ClinVar:

ClinVar aggregate classification (germline): Uncertain significance. Review status: criteria provided, multiple submitters, no conflicts (2 of 4 stars). 2 submissions from 2 submitters: Uncertain significance (2). Last evaluated 2023-12-22.

Conditions:
Myofibrillar myopathy 5. Also called: Filaminopathy (type); FILAMINOPATHY, AUTOSOMAL DOMINANT. Identifiers: Orphanet 171445, MedGen C1836050, MONDO:0012289, OMIM 609524.
Distal myopathy with posterior leg and anterior hand involvement. Also called: WILLIAMS DISTAL MYOPATHY. Identifiers: Orphanet 63273, MedGen C3279722, MONDO:0013550, OMIM 614065.
Hypertrophic cardiomyopathy 26. Also called: Cardiomyopathy, familial hypertrophic, 26. Identifiers: Orphanet 75249, MedGen C4310749, MONDO:0014883, OMIM 617047.

Allele frequency attached by ClinVar (database versions not stated): gnomAD exomes below 0.00001.
gnomAD v4.1: 1 of 1,613,976 alleles (0.000062%); highest among the groups gnomAD compares: Non-Finnish European, 0.000085%; no homozygotes.

Submissions (2):

Labcorp Genetics (formerly Invitae), Labcorp
Classification: Uncertain significance for Distal myopathy with posterior leg and anterior hand involvement; Myofibrillar myopathy 5; Hypertrophic cardiomyopathy 26. Last evaluated: 2023-12-22. Review status: criteria provided, single submitter. Criteria: Invitae Variant Classification Sherloc (09022015). Collection method: clinical testing. Allele origin: germline.
Comment: This sequence change replaces asparagine, which is neutral and polar, with lysine, which is basic and polar, at codon 1294 of the FLNC protein (p.Asn1294Lys). This variant is not present in population databases (gnomAD no frequency). This variant has not been reported in the literature in individuals affected with FLNC-related conditions. ClinVar contains an entry for this variant (Variation ID: 1508287). Advanced modeling of protein sequence and biophysical properties (such as structural, functional, and spatial information, amino acid conservation, physicochemical variation, residue mobility, and thermodynamic stability) has been performed at Invitae for this missense variant, however the output from this modeling did not meet the statistical confidence thresholds required to predict the impact of this variant on FLNC protein function. In summary, the available evidence is currently insufficient to determine the role of this variant in disease. Therefore, it has been classified as a Variant of Uncertain Significance.

Women's Health and Genetics/Laboratory Corporation of America, LabCorp
Classification: Uncertain significance. Last evaluated: 2023-12-03. Review status: criteria provided, single submitter. Criteria: LabCorp Variant Classification Summary - May 2015. Collection method: clinical testing. Allele origin: germline.

NM_001458.5(FLNC):c.3882C>G (p.Asn1294Lys)

Gene: FLNC (filamin C; plus strand). Cytogenetic location: 7q32.1.
Variant type: single nucleotide variant.
Coding change: c.3882C>G on transcript NM_001458.5 (MANE Select); coding-DNA position 3882, C replaced by G.
Protein change: p.Asn1294Lys; replaces asparagine 1294 with lysine.
Molecular consequence: missense variant.
Genome position (GRCh38, 1-based): chr7:128,846,081, C>G. VCF-style: chr7-128846081-C-G. GRCh37 (hg19) VCF-style: chr7-128486135-C-G.
Other names: c.3882C>G, p.Asn1294Lys (NM_001127487.2); short protein forms N1294K.
Identifiers: ClinVar variation 1508287 (VCV001508287.9), dbSNP rs1808552408, ClinGen allele CA369198655.
Genomic context (GRCh38, chr7:128,846,081, plus strand): 5'-TGTGGATGCAAGATCCCTAACAGCCACAGGCGGCAACCACGTGACGGCTCGTGTGCTCAA[C>G]CCCTCGGGGGCCAAGACAGACACCTATGTGACAGACAATGGGGACGGCACCTACCGAGTG-3'
Protein context (NP_001449.3, residues 1284-1304): GGNHVTARVL[Asn1294Lys]PSGAKTDTYV